The following is an entry in ClinVar:

NM_000535.7(PMS2):c.1267G>T (p.Ala423Ser)

Gene: PMS2 (PMS1 homolog 2, mismatch repair system component; minus strand). Cytogenetic location: 7p22.1.
Variant type: single nucleotide variant.
Coding change: c.1267G>T on transcript NM_000535.7 (MANE Select); coding-DNA position 1267, G replaced by T.
Protein change: p.Ala423Ser; replaces alanine 423 with serine.
Molecular consequence: missense variant. On other transcripts: non-coding transcript variant (1).
Genome position (GRCh38, 1-based): chr7:5,987,498, C>A on the plus strand (G>T on the coding strand, the complement: PMS2 is on the minus strand). VCF-style: chr7-5987498-C-A. GRCh37 (hg19) VCF-style: chr7-6027129-C-A.
Other names: c.862G>T, p.Ala288Ser (NM_001322003.2, NM_001322004.2, NM_001322005.2 and 1 more transcripts); c.1111G>T, p.Ala371Ser (NM_001322006.2); c.949G>T, p.Ala317Ser (NM_001322007.2, NM_001322008.2); c.706G>T, p.Ala236Ser (NM_001322010.2); c.334G>T, p.Ala112Ser (NM_001322011.2, NM_001322012.2); c.694G>T, p.Ala232Ser (NM_001322013.2); c.1267G>T, p.Ala423Ser (NM_001322014.2); c.958G>T, p.Ala320Ser (NM_001322015.2); short protein forms A423S, A232S, A288S, A320S, A317S, A371S, A112S, A236S.
Identifiers: ClinVar variation 582511 (VCV000582511.18), dbSNP rs587778619, ClinGen allele CA366742449.

ClinVar aggregate classification (germline): Uncertain significance. Review status: criteria provided, multiple submitters, no conflicts (2 of 4 stars). 3 submissions from 3 submitters: Uncertain significance (3). Last evaluated 2025-08-03.

Conditions:
Lynch syndrome. Identifiers: Orphanet 144, MedGen C4552100, MONDO:0005835. Disease mechanism: loss of function.
Hereditary nonpolyposis colorectal neoplasms. Identifiers: MedGen C0009405, MeSH D003123.
Hereditary cancer-predisposing syndrome. Also called: Neoplastic Syndromes, Hereditary; Hereditary Cancer Syndrome; Tumor predisposition; Hereditary neoplastic syndrome. Identifiers: Orphanet 140162, MedGen C0027672, MeSH D009386, MONDO:0015356.

Allele frequency attached by ClinVar (database versions not stated): gnomAD exomes below 0.00001; gnomAD 0.00001.

Submissions (3):

Labcorp Genetics (formerly Invitae), Labcorp
Classification: Uncertain significance for Hereditary nonpolyposis colorectal neoplasms. Last evaluated: 2025-08-03. Review status: criteria provided, single submitter. Criteria: Invitae Variant Classification Sherloc (09022015). Collection method: clinical testing. Allele origin: germline.
Comment: This sequence change replaces alanine, which is neutral and non-polar, with serine, which is neutral and polar, at codon 423 of the PMS2 protein (p.Ala423Ser). This variant is present in population databases (no rsID available, gnomAD 0.007%). This variant has not been reported in the literature in individuals affected with PMS2-related conditions. ClinVar contains an entry for this variant (Variation ID: 582511). Invitae Evidence Modeling incorporating data from in vitro experimental studies (internal data) indicates that this missense variant is not expected to disrupt PMS2 function with a negative predictive value of 95%. In summary, the available evidence is currently insufficient to determine the role of this variant in disease. Therefore, it has been classified as a Variant of Uncertain Significance.

Ambry Genetics
Classification: Uncertain significance for Hereditary cancer-predisposing syndrome. Last evaluated: 2025-02-24. Review status: criteria provided, single submitter. Criteria: Ambry Variant Classification Scheme 2023. Collection method: clinical testing. Allele origin: germline.
Comment: The p.A423S variant (also known as c.1267G>T), located in coding exon 11 of the PMS2 gene, results from a G to T substitution at nucleotide position 1267. The alanine at codon 423 is replaced by serine, an amino acid with similar properties. This amino acid position is not well conserved in available vertebrate species, and serine is the reference amino acid in other vertebrate species. In addition, this alteration is predicted to be tolerated by in silico analysis. Since supporting evidence is limited at this time, the clinical significance of this alteration remains unclear.

All of Us Research Program, National Institutes of Health
Classification: Uncertain significance for Lynch syndrome. Last evaluated: 2024-07-20. Review status: criteria provided, single submitter. Criteria: ACMG Guidelines, 2015. Collection method: clinical testing. Allele origin: germline. Inheritance: Autosomal dominant inheritance. Observed: 3 variant alleles, 3 heterozygotes.
Comment: This missense variant replaces alanine with serine at codon 423 of the PMS2 protein. Computational prediction suggests that this variant may not impact protein structure and function (internally defined REVEL score threshold <= 0.5, PMID: 27666373). To our knowledge, functional studies have not been reported for this variant. This variant has not been reported in individuals affected with PMS2-related disorders in the literature. This variant has been identified in 1/31402 chromosomes in the general population by the Genome Aggregation Database (gnomAD). The available evidence is insufficient to determine the role of this variant in disease conclusively. Therefore, this variant is classified as a Variant of Uncertain Significance.

This study involves interpretation of variants in research participants for the purpose of population health screening. Participant phenotype was not available at the time of variant classification. Additional details can be found in publication PMID: 35346344, PMCID: PMC8962531